The following is an entry in ClinVar:

ClinVar aggregate classification (germline): Uncertain significance (1 of 4 stars; one submission).

Conditions:
Baller-Gerold syndrome (BGS). Also called: CRANIOSYNOSTOSIS WITH RADIAL DEFECTS. Identifiers: Orphanet 1225, MedGen C0265308, MONDO:0009039, OMIM 218600.

gnomAD v4.1: 1 of 1,608,576 alleles (0.000062%); highest among the groups gnomAD compares: African/African-American, 0.0013%; no homozygotes.

Submission:

Labcorp Genetics (formerly Invitae), Labcorp
Classification: Uncertain significance for Baller-Gerold syndrome. Last evaluated: 2022-04-15. Review status: criteria provided, single submitter. Criteria: Invitae Variant Classification Sherloc (09022015). Collection method: clinical testing. Allele origin: germline.
Comment: In summary, the available evidence is currently insufficient to determine the role of this variant in disease. Therefore, it has been classified as a Variant of Uncertain Significance. Experimental studies and prediction algorithms are not available or were not evaluated, and the functional significance of this variant is currently unknown. ClinVar contains an entry for this variant (Variation ID: 1037380). This variant has not been reported in the literature in individuals affected with RECQL4-related conditions. This variant is not present in population databases (gnomAD no frequency). This sequence change replaces cysteine, which is neutral and slightly polar, with tyrosine, which is neutral and polar, at codon 1085 of the RECQL4 protein (p.Cys1085Tyr).

NM_004260.4(RECQL4):c.3254G>A (p.Cys1085Tyr)

Gene: RECQL4 (RecQ like helicase 4; minus strand). Cytogenetic location: 8q24.3.
Variant type: single nucleotide variant.
Coding change: c.3254G>A on transcript NM_004260.4 (MANE Select); coding-DNA position 3254, G replaced by A.
Protein change: p.Cys1085Tyr; replaces cysteine 1085 with tyrosine.
Molecular consequence: missense variant.
Genome position (GRCh38, 1-based): chr8:144,512,050, C>T on the plus strand (G>A on the coding strand, the complement: RECQL4 is on the minus strand). VCF-style: chr8-144512050-C-T. GRCh37 (hg19) VCF-style: chr8-145737433-C-T.
Other names: short protein forms C1085Y.
Identifiers: ClinVar variation 1037380 (VCV001037380.5), dbSNP rs1827324588, ClinGen allele CA372669272.